The following is an entry in ClinVar:

ClinVar aggregate classification (germline): Uncertain significance (1 of 4 stars; one submission).

Conditions:
Developmental and epileptic encephalopathy, 2 (DEE2). Also called: CDKL5 deficiency disorder; INFANTILE SPASM SYNDROME, X-LINKED 2. Identifiers: Orphanet 1934, Orphanet 3451, Orphanet 505652, MedGen C4750718, MONDO:0010396, OMIM 300672.
Angelman syndrome-like. Identifiers: MedGen CN128785.

Submission:

Labcorp Genetics (formerly Invitae), Labcorp
Classification: Uncertain significance for Developmental and epileptic encephalopathy, 2; Angelman syndrome-like. Last evaluated: 2023-03-25. Review status: criteria provided, single submitter. Criteria: Invitae Variant Classification Sherloc (09022015). Collection method: clinical testing. Allele origin: germline.
Comment: This variant is not present in population databases (gnomAD no frequency). In summary, the available evidence is currently insufficient to determine the role of this variant in disease. Therefore, it has been classified as a Variant of Uncertain Significance. Advanced modeling of protein sequence and biophysical properties (such as structural, functional, and spatial information, amino acid conservation, physicochemical variation, residue mobility, and thermodynamic stability) performed at Invitae indicates that this missense variant is expected to disrupt CDKL5 protein function. ClinVar contains an entry for this variant (Variation ID: 968754). This variant has not been reported in the literature in individuals affected with CDKL5-related conditions. This sequence change replaces threonine, which is neutral and polar, with proline, which is neutral and non-polar, at codon 35 of the CDKL5 protein (p.Thr35Pro).

NM_001323289.2(CDKL5):c.103A>C (p.Thr35Pro)

Gene: CDKL5 (cyclin dependent kinase like 5; plus strand). Cytogenetic location: Xp22.13.
Variant type: single nucleotide variant.
Coding change: c.103A>C on transcript NM_001323289.2 (MANE Select); coding-DNA position 103, A replaced by C.
Protein change: p.Thr35Pro; replaces threonine 35 with proline.
Molecular consequence: missense variant.
Genome position (GRCh38, 1-based): chrX:18,564,480, A>C. VCF-style: chrX-18564480-A-C. GRCh37 (hg19) VCF-style: chrX-18582600-A-C.
Other names: c.103A>C, p.Thr35Pro (NM_001037343.2, NM_003159.3); short protein forms T35P.
Identifiers: ClinVar variation 968754 (VCV000968754.10), dbSNP rs1924898828, ClinGen allele CA412346664.